The following is an entry in ClinVar:

NM_032861.4(SERAC1):c.1535C>T (p.Ser512Phe)

Gene: SERAC1 (serine active site containing 1; minus strand). Cytogenetic location: 6q25.3.
Variant type: single nucleotide variant.
Coding change: c.1535C>T on transcript NM_032861.4 (MANE Select); coding-DNA position 1535, C replaced by T.
Protein change: p.Ser512Phe; replaces serine 512 with phenylalanine.
Molecular consequence: missense variant. On other transcripts: non-coding transcript variant (1).
Genome position (GRCh38, 1-based): chr6:158,114,938, G>A on the plus strand (C>T on the coding strand, the complement: SERAC1 is on the minus strand). VCF-style: chr6-158114938-G-A. GRCh37 (hg19) VCF-style: chr6-158535970-G-A.
Other names: p.S512F:TCT>TTT; short protein forms S512F.
Identifiers: ClinVar variation 215143 (VCV000215143.6), dbSNP rs751450632, ClinGen allele CA321860.

ClinVar aggregate classification (germline): Uncertain significance. Review status: criteria provided, multiple submitters, no conflicts (2 of 4 stars). 3 submissions from 3 submitters: Uncertain significance (3). Last evaluated 2024-11-10.

Conditions:
Inborn genetic diseases. Identifiers: MedGen C0950123, MeSH D030342.
3-methylglutaconic aciduria with deafness, encephalopathy, and Leigh-like syndrome (MEGDEL). Also called: SERAC1 Deficiency; 3-METHYLGLUTACONIC ACIDURIA, TYPE VI; MEGDEL syndrome. Identifiers: Orphanet 352328, MedGen C4040739, MONDO:0013875, OMIM 614739.

Allele frequency attached by ClinVar (database versions not stated): gnomAD 0.00001; gnomAD exomes 0.00001 and 0.00005; ExAC 0.00002; TOPMed 0.00005.
gnomAD v4.1: 21 of 1,613,268 alleles (0.0013%); highest among the groups gnomAD compares: Admixed American, 0.027%; no homozygotes.

Submissions (3):

Ambry Genetics
Classification: Uncertain significance for Inborn genetic diseases. Last evaluated: 2024-11-10. Review status: criteria provided, single submitter. Criteria: Ambry Variant Classification Scheme 2023. Collection method: clinical testing. Allele origin: germline.

Labcorp Genetics (formerly Invitae), Labcorp
Classification: Uncertain significance for 3-methylglutaconic aciduria with deafness, encephalopathy, and Leigh-like syndrome. Last evaluated: 2022-07-14. Review status: criteria provided, single submitter. Criteria: Invitae Variant Classification Sherloc (09022015). Collection method: clinical testing. Allele origin: germline.
Comment: This sequence change replaces serine, which is neutral and polar, with phenylalanine, which is neutral and non-polar, at codon 512 of the SERAC1 protein (p.Ser512Phe). This variant is present in population databases (rs751450632, gnomAD 0.04%). This variant has not been reported in the literature in individuals affected with SERAC1-related conditions. ClinVar contains an entry for this variant (Variation ID: 215143). Algorithms developed to predict the effect of missense changes on protein structure and function are either unavailable or do not agree on the potential impact of this missense change (SIFT: "Deleterious"; PolyPhen-2: "Possibly Damaging"; Align-GVGD: "Class C15"). In summary, the available evidence is currently insufficient to determine the role of this variant in disease. Therefore, it has been classified as a Variant of Uncertain Significance.

GeneDx
Classification: Uncertain significance. Last evaluated: 2021-10-22. Review status: criteria provided, single submitter. Criteria: GeneDx Variant Classification Process June 2021. Collection method: clinical testing. Allele origin: germline. Affected: yes.
Comment: In silico analysis supports that this missense variant has a deleterious effect on protein structure/function; Has not been previously published as pathogenic or benign to our knowledge